The following is an entry in ClinVar:

NM_000073.3(CD3G):c.55+11_55+23delinsGGCTATCATTCTTCTTCAAGGTAAGGGCCTTC

Gene: CD3G (CD3 gamma subunit of T-cell receptor complex; plus strand). Cytogenetic location: 11q23.3.
Variant type: Indel.
Coding change: c.55+11_55+23delinsGGCTATCATTCTTCTTCAAGGTAAGGGCCTTC on transcript NM_000073.3 (MANE Select); bases 11 to 23 of the intron after coding-DNA position 55, the reference bases replaced by an inserted sequence.
Molecular consequence: intron variant.
Genome position (GRCh38, 1-based): chr11:118,344,489-118,344,501, 13 bases replaced. GRCh37 (hg19): chr11:118,215,204-118,215,216.
Identifiers: ClinVar variation 2027150 (VCV002027150.4), dbSNP rs2496884089, ClinGen allele CA2580083672.

ClinVar aggregate classification (germline): Uncertain significance (1 of 4 stars; one submission).

Conditions:
Combined immunodeficiency due to CD3gamma deficiency. Also called: CD3-GAMMA DEFICIENCY; SCID-LIKE IMMUNODEFICIENCY, T CELL-PARTIAL, B CELL-POSITIVE, NK CELL-POSITIVE; Immunodeficiency 17; Immunodeficiency 17, CD3 gamma deficient. Identifiers: Orphanet 169082, MedGen C3810107, MONDO:0014276, OMIM 615607.

Submission:

Labcorp Genetics (formerly Invitae), Labcorp
Classification: Uncertain significance for Combined immunodeficiency due to CD3gamma deficiency. Last evaluated: 2024-02-24. Review status: criteria provided, single submitter. Criteria: Invitae Variant Classification Sherloc (09022015). Collection method: clinical testing. Allele origin: germline.
Comment: This sequence change falls in intron 1 of the CD3G gene. It does not directly change the encoded amino acid sequence of the CD3G protein. This variant is not present in population databases (gnomAD no frequency). This variant has not been reported in the literature in individuals affected with CD3G-related conditions. ClinVar contains an entry for this variant (Variation ID: 2027150). Experimental studies and prediction algorithms are not available or were not evaluated, and the effect of this variant on mRNA splicing is currently unknown. In summary, the available evidence is currently insufficient to determine the role of this variant in disease. Therefore, it has been classified as a Variant of Uncertain Significance.